The following is an entry in ClinVar:

NM_203446.3(SYNJ1):c.-83A>G

Gene: SYNJ1 (synaptojanin 1; minus strand). Cytogenetic location: 21q22.11.
Variant type: single nucleotide variant.
Coding change: c.-83A>G on transcript NM_203446.3 (MANE Select); 83 bases upstream of the start codon, A replaced by G.
Molecular consequence: 5 prime UTR variant. On other transcripts: missense variant (1).
Genome position (GRCh38, 1-based): chr21:32,728,006, T>C on the plus strand (A>G on the coding strand, the complement: SYNJ1 is on the minus strand). VCF-style: chr21-32728006-T-C. GRCh37 (hg19) VCF-style: chr21-34100317-T-C.
Other names: c.35A>G, p.Asp12Gly (NM_003895.4); short protein forms D12G.
Identifiers: ClinVar variation 1041856 (VCV001041856.7), dbSNP rs775805673, ClinGen allele CA10004259.

ClinVar aggregate classification (germline): Uncertain significance. Review status: criteria provided, multiple submitters, no conflicts (2 of 4 stars). 2 submissions from 2 submitters: Uncertain significance (2). Last evaluated 2021-10-21.

Conditions:
Developmental and epileptic encephalopathy, 53. Also called: Epileptic encephalopathy, early infantile, 53. Identifiers: MedGen C4479313, MONDO:0033362, OMIM 617389.
Early-onset Parkinson disease 20. Also called: PARKINSON DISEASE 20, AUTOSOMAL RECESSIVE EARLY-ONSET. Identifiers: Orphanet 391411, MedGen C3809824, MONDO:0014233, OMIM 615530.
Inborn genetic diseases. Identifiers: MedGen C0950123, MeSH D030342.

Allele frequency attached by ClinVar (database versions not stated): gnomAD exomes 0.00002 and 0.00007; gnomAD 0.00003; TOPMed 0.00003; ExAC 0.00009.
gnomAD v4.1: 28 of 1,535,914 alleles (0.0018%); highest among the groups gnomAD compares: Admixed American, 0.002%; 1 homozygote.

Submissions (2):

Ambry Genetics
Classification: Uncertain significance for Inborn genetic diseases. Last evaluated: 2021-10-21. Review status: criteria provided, single submitter. Criteria: Ambry Variant Classification Scheme 2023. Collection method: clinical testing. Allele origin: germline.

Labcorp Genetics (formerly Invitae), Labcorp
Classification: Uncertain significance for Developmental and epileptic encephalopathy, 53; Early-onset Parkinson disease 20. Last evaluated: 2021-08-31. Review status: criteria provided, single submitter. Criteria: Invitae Variant Classification Sherloc (09022015). Collection method: clinical testing. Allele origin: germline.
Comment: This sequence change replaces aspartic acid with glycine at codon 12 of the SYNJ1 protein (p.Asp12Gly). The aspartic acid residue is weakly conserved and there is a moderate physicochemical difference between aspartic acid and glycine. While this variant is present in population databases (rs775805673), the frequency information is unreliable, as metrics indicate poor data quality at this position in the ExAC database. This variant has not been reported in the literature in individuals affected with SYNJ1-related conditions. Algorithms developed to predict the effect of missense changes on protein structure and function are either unavailable or do not agree on the potential impact of this missense change (SIFT: "Deleterious"; PolyPhen-2: "Benign"; Align-GVGD: "Class C0"). In summary, the available evidence is currently insufficient to determine the role of this variant in disease. Therefore, it has been classified as a Variant of Uncertain Significance.